The following is an entry in ClinVar:

NM_000350.3(ABCA4):c.3899G>A (p.Arg1300Gln)

Gene: ABCA4 (ATP binding cassette subfamily A member 4; minus strand). Cytogenetic location: 1p22.1.
Variant type: single nucleotide variant.
Coding change: c.3899G>A on transcript NM_000350.3 (MANE Select); coding-DNA position 3899, G replaced by A.
Protein change: p.Arg1300Gln; replaces arginine 1300 with glutamine.
Molecular consequence: missense variant.
Genome position (GRCh38, 1-based): chr1:94,032,007, C>T on the plus strand (G>A on the coding strand, the complement: ABCA4 is on the minus strand). VCF-style: chr1-94032007-C-T. GRCh37 (hg19) VCF-style: chr1-94497563-C-T.
Other names: NM_000350.3(ABCA4):c.3899G>A; c.3677G>A, p.Arg1226Gln (NM_001425324.1); short protein forms R1300Q, R1226Q.
Identifiers: ClinVar variation 99246 (VCV000099246.31), dbSNP rs61750129, ClinGen allele CA227147.
Genomic context (GRCh38, chr1:94,032,007, plus strand): 5'-CAGACATTGGAGTCCTGGGGTGTCTGTCCAGCCTTCTCTCTGGGACCCAAGCAGGGGTGT[C>T]GGGGGTTGACGTTTTCTCTTTTCTGCTGAGCGCCACCTGTTTTGAGAGATTGAATTAATA-3'
Protein context (NP_000341.2, residues 1290-1310): AQQKRENVNP[Arg1300Gln]HPCLGPREKA

ClinVar aggregate classification (germline): Likely benign. Review status: reviewed by expert panel (3 of 4 stars). 10 submissions from 10 submitters: Likely benign (1). 9 of the submissions do not count toward it. Last evaluated 2026-05-26.

Conditions:
ABCA4-related retinopathy. Also called: ABCA4 retinoapthy; ABCA4-related retinoapthy. Identifiers: MedGen CN322612, MONDO:0800406.
Macular dystrophy. Identifiers: MedGen C0730292, HP:0007754.
ABCA4-related disorder. Also called: ABCA4-related disorders; ABCA4-related condition. Identifiers: MedGen CN239167.

Allele frequency attached by ClinVar (database versions not stated): gnomAD exomes 0.00205 and 0.00514; ExAC 0.00638; gnomAD 0.01958 and 0.02065; ESP Exome Variant Server 0.02122; TOPMed 0.02211; 1000 Genomes Project 0.02576; 1000 Genomes Project 30x 0.02670.
gnomAD v4.1: 6,147 of 1,613,304 alleles (0.38%); highest among the groups gnomAD compares: African/African-American, 6.7%; 183 homozygotes.

Submissions (10):

ClinGen ABCA4 Variant Curation Expert Panel, Clingen
Classification: Likely benign for ABCA4-related retinopathy. Last evaluated: 2026-05-26. Review status: reviewed by expert panel. Criteria: ClinGen ABCA4 ACMG Specifications V1.0.0. Collection method: curation. Allele origin: germline. Inheritance: Autosomal recessive inheritance.
Comment: The NM_000350.3(ABCA4):c.3899G>A variant in ABCA4 is a missense variant predicted to cause substitution of arginine by glutamine at amino acid 1300; p.Arg1300Gln. The GroupMax filtering allele frequency in gnomAD v4.1.0 is 0.00381, which is greater than the ClinGen ABCA4 VCEP’s threshold for BS1_Supporting (>0.00163). The computational predictor REVEL gives a score of 0.215 which is in the range of 0.184-0.290, and the SpliceAI score is 0 meeting BP4. In summary, this variant meets the criteria to be classified as likely benign for ABCA4-related retinopathy based on the ACMG/AMP criteria applied, as specified by the ClinGen ABCA4 VCEP (Specification Version 1.0.0): BS1_Supporting, BP4.

Labcorp Genetics (formerly Invitae), Labcorp
Classification: Benign. Last evaluated: 2026-02-03. Review status: criteria provided, single submitter. Criteria: Invitae Variant Classification Sherloc (09022015). Collection method: clinical testing. Allele origin: germline. Not counted in ClinVar's aggregate classification.

ARUP Laboratories, Molecular Genetics and Genomics, ARUP Laboratories
Classification: Benign. Last evaluated: 2023-11-22. Review status: criteria provided, single submitter. Criteria: ARUP Molecular Germline Variant Investigation Process 2024. Collection method: clinical testing. Allele origin: germline. Not counted in ClinVar's aggregate classification.

Center for Pediatric Genomic Medicine, Children's Mercy Hospital and Clinics
Classification: Benign. Last evaluated: 2017-05-30. Review status: criteria provided, single submitter. Criteria: ACMG Guidelines, 2015. Collection method: clinical testing. Allele origin: germline. Not counted in ClinVar's aggregate classification.

Illumina Laboratory Services, Illumina
Classification: Likely benign for ABCA4-Related Disorders. Last evaluated: 2017-04-27. Review status: criteria provided, single submitter. Criteria: ICSL Variant Classification Criteria 13 December 2019. Collection method: clinical testing. Allele origin: germline. Not counted in ClinVar's aggregate classification.
Comment: This variant was observed as part of a predisposition screen in an ostensibly healthy population. A literature search was performed for the gene, cDNA change, and amino acid change (where applicable). No publications were found based on this search. Allele frequency data from public databases allowed determination this variant is unlikely to cause disease. Therefore, this variant is classified as likely benign.

Eurofins Ntd Llc (ga)
Classification: Benign. Last evaluated: 2015-06-11. Review status: criteria provided, single submitter. Criteria: EGL Classification Definitions 2015. Collection method: clinical testing. Allele origin: germline. Observed: 2 variant alleles, 2 heterozygotes. Not counted in ClinVar's aggregate classification.

GeneDx
Classification: Benign. Last evaluated: 2015-03-18. Review status: criteria provided, single submitter. Criteria: GeneDx Variant Classification (06012015). Collection method: clinical testing. Allele origin: germline. Affected: yes. Not counted in ClinVar's aggregate classification.
Comment: This variant is considered likely benign or benign based on one or more of the following criteria: it is a conservative change, it occurs at a poorly conserved position in the protein, it is predicted to be benign by multiple in silico algorithms, and/or has population frequency not consistent with disease.

Breakthrough Genomics
Classification: Likely benign. Review status: criteria provided, single submitter. Criteria: ACMG Guidelines, 2015. Collection method: not provided. Allele origin: germline. Inheritance: Autosomal recessive inheritance. Affected: yes. Not counted in ClinVar's aggregate classification.

NIHR Bioresource Rare Diseases, University of Cambridge
Classification: Likely benign for Macular dystrophy. Last evaluated: 2015-01-01. Review status: no assertion criteria provided. Collection method: research. Allele origin: unknown. Affected: yes. Observed: 1 variant allele. Not counted in ClinVar's aggregate classification.

Retina International
No classification provided. Review status: no classification provided. Collection method: not provided. Allele origin: unknown. Not counted in ClinVar's aggregate classification.

Literature cited by the submitters: PubMed 24011517 (cited by Eurofins Ntd Llc (ga)); PubMed 25066811 (cited by Eurofins Ntd Llc (ga)); PubMed 11527935 (cited by NIHR Bioresource Rare Diseases, University of Cambridge); PubMed 28041643 (cited by NIHR Bioresource Rare Diseases, University of Cambridge).